The following is an entry in ClinVar:

NM_144599.5(NIPA1):c.15_23del (p.Ala14_Ala16del)

Genes: NIPA1 (NIPA magnesium transporter 1; plus strand), LOC130056709 (ATAC-STARR-seq lymphoblastoid silent region 6259; plus strand). Cytogenetic location: 15q11.2.
Variant type: Deletion.
Coding change: c.15_23del on transcript NM_144599.5 (MANE Select); coding-DNA positions 15 to 23, 9 bases deleted (TGCGGCAGC; older notation c.15_23delTGCGGCAGC).
Protein change: p.Ala14_Ala16del.
Molecular consequence: inframe deletion. On other transcripts: intron variant (1).
Genome position (GRCh38, 1-based): chr15:22,786,671-22,786,679, TGCGGCAGC deleted; deleting any 9 consecutive bases within chr15:22,786,666-22,786,679 gives the same sequence; the c. name uses the placement nearest the transcript's 3' end. VCF-style (leftmost placement, unchanged base first): chr15-22786665-TGCAGCTGCG-T. GRCh37 (hg19) VCF-style: chr15-23086388-CGCTGCCGCA-C.
Other names: c.-48+423_-48+431del (NM_001142275.1).
Identifiers: ClinVar variation 1015202 (VCV001015202.9), dbSNP rs1204568027, ClinGen allele CA617083341.

ClinVar aggregate classification (germline): Uncertain significance (1 of 4 stars; one submission).

Conditions:
Hereditary spastic paraplegia 6 (SPG6). Also called: SPASTIC PARAPLEGIA 6, AUTOSOMAL DOMINANT. Identifiers: Orphanet 100988, MedGen C1838192, MONDO:0010878, OMIM 600363.

Submission:

Labcorp Genetics (formerly Invitae), Labcorp
Classification: Uncertain significance for Hereditary spastic paraplegia 6. Last evaluated: 2025-12-11. Review status: criteria provided, single submitter. Criteria: Invitae Variant Classification Sherloc (09022015). Collection method: clinical testing. Allele origin: germline.
Comment: This variant, c.15_23del, results in the deletion of 3 amino acid(s) of the NIPA1 protein (p.Ala14_Ala16del), but otherwise preserves the integrity of the reading frame. The frequency data for this variant in the population databases is considered unreliable, as metrics indicate poor data quality at this position in the gnomAD database. This variant has not been reported in the literature in individuals affected with NIPA1-related conditions. ClinVar contains an entry for this variant (Variation ID: 1015202). Experimental studies and prediction algorithms are not available or were not evaluated, and the functional significance of this variant is currently unknown. In summary, the available evidence is currently insufficient to determine the role of this variant in disease. Therefore, it has been classified as a Variant of Uncertain Significance.